The following is an entry in ClinVar:

NM_001374828.1(ARID1B):c.3345+1G>C

Gene: ARID1B (AT-rich interaction domain 1B; plus strand). Cytogenetic location: 6q25.3.
Variant type: single nucleotide variant.
Coding change: c.3345+1G>C on transcript NM_001374828.1 (MANE Select); the canonical splice donor site of the intron after coding-DNA position 3345, G replaced by C.
Molecular consequence: splice donor variant.
Genome position (GRCh38, 1-based): chr6:157,174,118, G>C. VCF-style: chr6-157174118-G-C. GRCh37 (hg19) VCF-style: chr6-157495252-G-C.
Other names: c.3384+1G>C (NM_001371656.1, NM_001374820.1); c.3345+1G>C (NM_017519.3); c.846+1G>C (NM_001363725.2).
Identifiers: ClinVar variation 1723086 (VCV001723086.2), dbSNP rs1791922830, ClinGen allele CA366224673.

ClinVar aggregate classification (germline): Pathogenic (1 of 4 stars; one submission).

Submission:

GeneDx
Classification: Pathogenic. Last evaluated: 2022-05-04. Review status: criteria provided, single submitter. Criteria: GeneDx Variant Classification Process June 2021. Collection method: clinical testing. Allele origin: germline. Affected: yes.
Comment: Canonical splice site variant predicted to result in a null allele in a gene for which loss of function is a known mechanism of disease; Not observed at significant frequency in large population cohorts (gnomAD); Identified in an individual with clinical features of an ARID1B-related neurodevelopmental disorder in published literature (Santen et al., 2013); This variant is associated with the following publications: (PMID: 24090879, 23929686)